The following is an entry in ClinVar:

ClinVar aggregate classification (germline): Likely benign (1 of 4 stars; one submission).

gnomAD v4.1: 3,509 of 1,613,678 alleles (0.22%); highest among the groups gnomAD compares: Non-Finnish European, 0.27%; 8 homozygotes.

Submission:

CeGaT Center for Human Genetics Tuebingen
Classification: Likely benign. Last evaluated: 2024-11-01. Review status: criteria provided, single submitter. Criteria: CeGaT Center For Human Genetics Tuebingen Variant Classification Criteria Version 2. Collection method: clinical testing. Allele origin: germline. Affected: yes. Observed: 1 variant allele.
Comment: S100A13: BP4

NM_001024211.2(S100A13):c.160G>A (p.Gly54Ser)

Gene: S100A13 (S100 calcium binding protein A13; minus strand). Cytogenetic location: 1q21.3.
Variant type: single nucleotide variant.
Coding change: c.160G>A on transcript NM_001024211.2 (MANE Select); coding-DNA position 160, G replaced by A.
Protein change: p.Gly54Ser; replaces glycine 54 with serine.
Molecular consequence: missense variant.
Genome position (GRCh38, 1-based): chr1:153,619,032, C>T on the plus strand (G>A on the coding strand, the complement: S100A13 is on the minus strand). VCF-style: chr1-153619032-C-T. GRCh37 (hg19) VCF-style: chr1-153591508-C-T.
Other names: c.160G>A, p.Gly54Ser (NM_001024210.2, NM_001024212.2, NM_001024213.2 and 1 more transcripts); short protein forms G54S.
Identifiers: ClinVar variation 3388017 (VCV003388017.14).